The following is an entry in ClinVar:

NM_006182.4(DDR2):c.*8A>G

Gene: DDR2 (discoidin domain receptor tyrosine kinase 2; plus strand). Cytogenetic location: 1q23.3.
Variant type: single nucleotide variant.
Coding change: c.*8A>G on transcript NM_006182.4 (MANE Select); 8 bases downstream of the stop codon, A replaced by G.
Molecular consequence: 3 prime UTR variant.
Genome position (GRCh38, 1-based): chr1:162,780,254, A>G. VCF-style: chr1-162780254-A-G. GRCh37 (hg19) VCF-style: chr1-162750044-A-G.
Other names: c.*8A>G (NM_001014796.3, NM_001354982.2, NM_001354983.2).
Identifiers: ClinVar variation 3053879 (VCV003053879.2), dbSNP rs1427124747, ClinGen allele CA890309030.

ClinVar aggregate classification (germline): Likely benign (0 of 4 stars; one submission).

Conditions:
DDR2-related disorder. Also called: DDR2-related condition.

Allele frequency attached by ClinVar (database versions not stated): gnomAD exomes below 0.00001; TOPMed 0.00001.
gnomAD v4.1: 19 of 1,613,684 alleles (0.0012%); highest among the groups gnomAD compares: East Asian, 0.0089%; no homozygotes.

Submission:

PreventionGenetics, part of Exact Sciences
Classification: Likely benign for DDR2-related condition. Last evaluated: 2019-03-20. Review status: no assertion criteria provided. Collection method: clinical testing. Allele origin: germline.
Comment: This variant is classified as likely benign based on ACMG/AMP sequence variant interpretation guidelines (Richards et al. 2015 PMID: 25741868, with internal and published modifications).